The following is an entry in ClinVar:

NM_030962.4(SBF2):c.1062G>A (p.Glu354=)

Gene: SBF2 (SET binding factor 2; minus strand). Cytogenetic location: 11p15.4.
Variant type: single nucleotide variant.
Coding change: c.1062G>A on transcript NM_030962.4 (MANE Select); coding-DNA position 1062, G replaced by A.
Protein change: p.Glu354=; no amino-acid change (glutamic acid 354 retained).
Molecular consequence: synonymous variant.
Genome position (GRCh38, 1-based): chr11:9,993,095, C>T on the plus strand (G>A on the coding strand, the complement: SBF2 is on the minus strand). VCF-style: chr11-9993095-C-T. GRCh37 (hg19) VCF-style: chr11-10014642-C-T.
Other names: c.1062G>A (NM_030962.3); c.1062G>A, p.Glu354= (NM_001386339.1, NM_001386342.1).
Identifiers: ClinVar variation 1135331 (VCV001135331.10), dbSNP rs376956314, ClinGen allele CA5881916.

ClinVar aggregate classification (germline): Likely benign. Review status: criteria provided, multiple submitters, no conflicts (2 of 4 stars). 2 submissions from 2 submitters: Likely benign (2). Last evaluated 2025-12-20.

Conditions:
SBF2-related disorder. Also called: SBF2-related condition.
Charcot-Marie-Tooth disease type 4. Also called: Charcot-Marie-Tooth, Type 4; Charcot-Marie-Tooth disease, type IV. Identifiers: Orphanet 64749, MedGen C4082197, MONDO:0018995.

Allele frequency attached by ClinVar (database versions not stated): gnomAD 0.00001; gnomAD exomes 0.00002; ExAC 0.00003; TOPMed 0.00005; ESP Exome Variant Server 0.00008.
gnomAD v4.1: 63 of 1,605,414 alleles (0.0039%); highest among the groups gnomAD compares: Non-Finnish European, 0.005%; no homozygotes.

Submissions (2):

Labcorp Genetics (formerly Invitae), Labcorp
Classification: Likely benign for Charcot-Marie-Tooth disease type 4. Last evaluated: 2025-12-20. Review status: criteria provided, single submitter. Criteria: Invitae Variant Classification Sherloc (09022015). Collection method: clinical testing. Allele origin: germline.

PreventionGenetics, part of Exact Sciences
Classification: Likely benign for SBF2-related condition. Last evaluated: 2025-03-12. Review status: criteria provided, single submitter. Criteria: ACMG Guidelines, 2015. Collection method: clinical testing. Allele origin: germline.
Comment: This variant is classified as likely benign based on ACMG/AMP sequence variant interpretation guidelines (Richards et al. 2015 PMID: 25741868, with internal and published modifications).